The following is an entry in ClinVar:

NM_002294.3(LAMP2):c.974del (p.Leu325fs)

Gene: LAMP2 (lysosomal associated membrane protein 2; minus strand). Cytogenetic location: Xq24.
Variant type: Deletion.
Coding change: c.974del on transcript NM_002294.3 (MANE Select); coding-DNA position 974, one base deleted (T; older notation c.974delT).
Protein change: p.Leu325fs; shifts the reading frame from leucine 325.
Molecular consequence: frameshift variant.
Genome position (GRCh38, 1-based): chrX:120,441,849, A deleted on the plus strand (T on the coding strand, the reverse complement: LAMP2 is on the minus strand). VCF-style (leftmost placement, unchanged base first): chrX-120441848-CA-C. GRCh37 (hg19) VCF-style: chrX-119575703-CA-C.
Other names: L325RfsX21; c.974delT (NM_002294.2, NM_013995.2); c.974del (NM_002294.2); c.974del, p.Leu325fs (NM_001122606.1, NM_013995.2); short protein forms L325fs.
Identifiers: ClinVar variation 180893 (VCV000180893.4), dbSNP rs730880498, ClinGen allele CA333723.
Genomic context (GRCh38, chrX:120,441,848, plus strand): 5'-TATCTGAAATGCTCCAGACACTGAAACAGTCTGCTCTTTGTTGCACATATAAGAACTTCC[CA>C]GGGGGGCATCCCAGTAGCTGAGATTGTTATTTGCAATGCTGAAAACTTCAAAGAAAAGAA-3'

ClinVar aggregate classification (germline): Pathogenic. Review status: criteria provided, multiple submitters, no conflicts (2 of 4 stars). 2 submissions from 2 submitters: Pathogenic (2). Last evaluated 2023-11-21.

Conditions:
Cardiovascular phenotype. Identifiers: MedGen CN230736.

Submissions (2):

Ambry Genetics
Classification: Pathogenic for Cardiovascular phenotype. Last evaluated: 2023-11-21. Review status: criteria provided, single submitter. Criteria: Ambry Variant Classification Scheme 2023. Collection method: clinical testing. Allele origin: germline.
Comment: The c.974delT pathogenic mutation, located in coding exon 8 of the LAMP2 gene, results from a deletion of one nucleotide at nucleotide position 974, causing a translational frameshift with a predicted alternate stop codon (p.L325Rfs*21). This variant is considered to be rare based on population cohorts in the Genome Aggregation Database (gnomAD). This alteration is expected to result in loss of function by premature protein truncation or nonsense-mediated mRNA decay. As such, this alteration is interpreted as a disease-causing mutation.

GeneDx
Classification: Pathogenic. Last evaluated: 2023-05-20. Review status: criteria provided, single submitter. Criteria: GeneDx Variant Classification Process June 2021. Collection method: clinical testing. Allele origin: germline. Affected: yes.
Comment: Frameshift variant predicted to result in protein truncation or nonsense mediated decay in a gene for which loss of function is a known mechanism of disease; Has not been previously published as pathogenic or benign to our knowledge; Not observed at significant frequency in large population cohorts (gnomAD); This variant is associated with the following publications: (PMID: 31410105, 33505424)